The following is an entry in ClinVar:

ClinVar aggregate classification (germline): Conflicting classifications of pathogenicity. Review status: criteria provided, conflicting classifications (1 of 4 stars). 7 submissions from 7 submitters: Uncertain significance (6); Likely benign (1). Last evaluated 2024-06-24.

Conditions:
TTN-related disorder. Also called: TTN-related disorders; TTN-related condition; TTN-related disease.
Autosomal recessive limb-girdle muscular dystrophy type 2J (LGMDR10). Also called: Limb-girdle muscular dystrophy, type 2J; MUSCULAR DYSTROPHY, LIMB-GIRDLE, AUTOSOMAL RECESSIVE 10. Identifiers: Orphanet 140922, MedGen C1837342, MONDO:0012127, OMIM 608807.
Dilated cardiomyopathy 1G (CMD1G). Identifiers: Orphanet 154, MedGen C1858763, MONDO:0011400, OMIM 604145.
Early-onset myopathy with fatal cardiomyopathy (CMYO5). Also called: Salih Myopathy; CONGENITAL MYOPATHY 5 WITH CARDIOMYOPATHY. Identifiers: Orphanet 289377, MedGen C2673677, MONDO:0012714, OMIM 611705. Disease mechanism: loss of function.
Tibial muscular dystrophy (TMD). Also called: Udd Distal Myopathy – Tibial Muscular Dystrophy; UDD MYOPATHY; Tibial muscular dystrophy, tardive. Identifiers: Orphanet 609, MedGen C1838244, MONDO:0010870, OMIM 600334.
Myopathy, myofibrillar, 9, with early respiratory failure (MFM9). Also called: EDSTROM MYOPATHY; MYOPATHY, PROXIMAL, WITH EARLY RESPIRATORY MUSCLE INVOLVEMENT; Hereditary myopathy with early respiratory failure; Myopathy, distal, with early respiratory failure, autosomal dominant. Identifiers: Orphanet 178464, Orphanet 34521, MedGen C1863599, MONDO:0011362, OMIM 603689.
Hypertrophic cardiomyopathy 9. Also called: Familial hypertrophic cardiomyopathy 9. Identifiers: MedGen C1861065, MONDO:0013412, OMIM 613765.
Cardiomyopathy (CMYO). Also called: Cardiomyopathies. Identifiers: Orphanet 167848, MedGen C0878544, MONDO:0004994, HP:0001638. Inheritance: Various modes of inheritance.

Allele frequency attached by ClinVar (database versions not stated): gnomAD 0.00001; TOPMed 0.00003; ESP Exome Variant Server 0.00008.
gnomAD v4.1: 34 of 1,613,740 alleles (0.0021%); highest among the groups gnomAD compares: Non-Finnish European, 0.0027%; no homozygotes.

Submissions (7):

Blueprint Genetics
Classification: Likely benign. Last evaluated: 2024-06-24. Review status: criteria provided, single submitter. Criteria: ACMG Guidelines, 2015. Collection method: clinical testing. Allele origin: germline.

PreventionGenetics, part of Exact Sciences
Classification: Uncertain significance for TTN-related condition. Last evaluated: 2022-12-12. Review status: criteria provided, single submitter. Criteria: ACMG Guidelines, 2015. Collection method: clinical testing. Allele origin: germline.
Comment: The TTN c.12175G>T variant is predicted to result in the amino acid substitution p.Gly4059Cys. To our knowledge, this variant has not been reported in the literature. This variant is reported in 0.0029% of alleles in individuals of Latino descent in gnomAD. At this time, the clinical significance of this variant is uncertain due to the absence of conclusive functional and genetic evidence.

CHEO Genetics Diagnostic Laboratory, Children's Hospital of Eastern Ontario
Classification: Uncertain significance for Cardiomyopathy. Last evaluated: 2022-01-17. Review status: criteria provided, single submitter. Criteria: ACMG Guidelines, 2015. Collection method: clinical testing. Allele origin: germline.

Fulgent Genetics
Classification: Uncertain significance for Tibial muscular dystrophy; Myopathy, myofibrillar, 9, with early respiratory failure; Dilated cardiomyopathy 1G; Autosomal recessive limb-girdle muscular dystrophy type 2J; Early-onset myopathy with fatal cardiomyopathy; Hypertrophic cardiomyopathy 9. Last evaluated: 2021-11-12. Review status: criteria provided, single submitter. Criteria: ACMG Guidelines, 2015. Collection method: clinical testing. Allele origin: unknown.

Labcorp Genetics (formerly Invitae), Labcorp
Classification: Uncertain significance for Dilated cardiomyopathy 1G; Autosomal recessive limb-girdle muscular dystrophy type 2J. Last evaluated: 2017-11-14. Review status: criteria provided, single submitter. Criteria: Invitae Variant Classification Sherloc (09022015). Collection method: clinical testing. Allele origin: germline.

GeneDx
Classification: Uncertain significance. Last evaluated: 2014-07-15. Review status: criteria provided, single submitter. Criteria: GeneDx Variant Classification (06012015). Collection method: clinical testing. Allele origin: germline. Affected: yes.
Comment: Missense variants in the TTN gene are considered 'unclassified' if they are not previously reported in the literature and do not have >1% frequency in the population to be considered a polymorphism. Research indicates that truncating mutations in the TTN gene are expected to account for approximately 25% of familial and 18% of sporadic idiopathic DCM; however, truncating variants in the TTN gene have been reported in approximately 3% of reported control alleles. There has been little investigation into non-truncating variants. (Herman D et al. Truncations of titin causing dilated cardiomyopathy. N Eng J Med 366:619-628, 2012) The variant is found in CARDIOMYOPATHY panel(s).

Laboratory for Molecular Medicine, Mass General Brigham Personalized Medicine
Classification: Uncertain significance. Last evaluated: 2013-02-12. Review status: criteria provided, single submitter. Criteria: LMM Criteria. Collection method: clinical testing. Allele origin: germline. Observed: 1 variant allele.
Comment: The Gly3821Lys variant in TTN has not been described in the literature nor previ ously identified by our laboratory. This variant has been identified in 1/8208 o f European American chromosomes from a broad population by the NHLBI Exome Seque ncing Project (dbSNP). Computational analyses are limited or unavailable for this variant. In summary, additional information is needed to fully assess the clinical significance of the Gly3821Lys variant.

NM_001267550.2(TTN):c.12175G>T (p.Gly4059Cys)

Gene: TTN (titin; minus strand). Cytogenetic location: 2q31.2.
Variant type: single nucleotide variant.
Coding change: c.12175G>T on transcript NM_001267550.2 (MANE Select); coding-DNA position 12175, G replaced by T.
Protein change: p.Gly4059Cys; replaces glycine 4059 with cysteine.
Molecular consequence: missense variant. On other transcripts: intron variant (1).
Genome position (GRCh38, 1-based): chr2:178,741,058, C>A on the plus strand (G>T on the coding strand, the complement: TTN is on the minus strand). VCF-style: chr2-178741058-C-A. GRCh37 (hg19) VCF-style: chr2-179605785-C-A.
Other names: p.G3742C:GGT>TGT; c.11086G>T, p.Gly3696Cys (NM_003319.4); c.11662G>T, p.Gly3888Cys (NM_133437.4); c.10361-2698G>T (NM_133378.4); c.11224G>T, p.Gly3742Cys (NM_001256850.1); c.11461G>T, p.Gly3821Cys (NM_133432.3); short protein forms G4059C, G3821C, G3742C, G3696C, G3888C.
Identifiers: ClinVar variation 47818 (VCV000047818.13), dbSNP rs377114166, ClinGen allele CA141971.